The following is an entry in ClinVar:

ClinVar aggregate classification (germline): Uncertain significance. Review status: criteria provided, multiple submitters, no conflicts (2 of 4 stars). 2 submissions from 2 submitters: Uncertain significance (2). Last evaluated 2026-02-11.

Conditions:
Combined immunodeficiency due to LRBA deficiency. Also called: Common variable immunodeficiency 8, with autoimmunity. Identifiers: Orphanet 445018, MedGen C3553512, MONDO:0013863, OMIM 614700.

Allele frequency attached by ClinVar (database versions not stated): ExAC 0.00001; gnomAD exomes 0.00001.
gnomAD v4.1: 12 of 1,609,388 alleles (0.00075%); highest among the groups gnomAD compares: East Asian, 0.0022%; no homozygotes.

Submissions (2):

Women's Health and Genetics/Laboratory Corporation of America, LabCorp
Classification: Uncertain significance. Last evaluated: 2026-02-11. Review status: criteria provided, single submitter. Criteria: LabCorp Variant Classification Summary - May 2015. Collection method: clinical testing. Allele origin: germline.
Comment: Variant summary: LRBA c.6433C>T (p.Arg2145Cys) results in a non-conservative amino acid change in the encoded protein sequence. Algorithms developed to predict the effect of missense changes on protein structure and function all suggest that this variant is likely to be disruptive. The variant allele was found at a frequency of 1.2e-05 in 250480 control chromosomes. The available data on variant occurrences in the general population are insufficient to allow any conclusion about variant significance. To our knowledge, no occurrence of c.6433C>T in individuals affected with LRBA-related conditions and no experimental evidence demonstrating its impact on protein function have been reported. ClinVar contains an entry for this variant (Variation ID: 1468844). Based on the evidence outlined above, the variant was classified as uncertain significance.

Labcorp Genetics (formerly Invitae), Labcorp
Classification: Uncertain significance for Combined immunodeficiency due to LRBA deficiency. Last evaluated: 2024-11-05. Review status: criteria provided, single submitter. Criteria: Invitae Variant Classification Sherloc (09022015). Collection method: clinical testing. Allele origin: germline.
Comment: This sequence change replaces arginine, which is basic and polar, with cysteine, which is neutral and slightly polar, at codon 2145 of the LRBA protein (p.Arg2145Cys). This variant is present in population databases (rs757445725, gnomAD 0.006%). This variant has not been reported in the literature in individuals affected with LRBA-related conditions. ClinVar contains an entry for this variant (Variation ID: 1468844). Invitae Evidence Modeling of protein sequence and biophysical properties (such as structural, functional, and spatial information, amino acid conservation, physicochemical variation, residue mobility, and thermodynamic stability) indicates that this missense variant is expected to disrupt LRBA protein function with a positive predictive value of 80%. In summary, the available evidence is currently insufficient to determine the role of this variant in disease. Therefore, it has been classified as a Variant of Uncertain Significance.

NM_001364905.1(LRBA):c.6400C>T (p.Arg2134Cys)

Gene: LRBA (LPS responsive beige-like anchor protein; minus strand). Cytogenetic location: 4q31.3.
Variant type: single nucleotide variant.
Coding change: c.6400C>T on transcript NM_001364905.1 (MANE Select); coding-DNA position 6400, C replaced by T.
Protein change: p.Arg2134Cys; replaces arginine 2134 with cysteine.
Molecular consequence: missense variant.
Genome position (GRCh38, 1-based): chr4:150,490,966, G>A on the plus strand (C>T on the coding strand, the complement: LRBA is on the minus strand). VCF-style: chr4-150490966-G-A. GRCh37 (hg19) VCF-style: chr4-151412118-G-A.
Other names: c.6400C>T, p.Arg2134Cys (NM_001199282.3, NM_001367550.1); c.6433C>T, p.Arg2145Cys (NM_006726.5); short protein forms R2134C, R2145C.
Identifiers: ClinVar variation 1468844 (VCV001468844.5), dbSNP rs757445725, ClinGen allele CA3101948.